The following is an entry in ClinVar:

NM_015215.4(CAMTA1):c.1906A>G (p.Ser636Gly)

Gene: CAMTA1 (calmodulin binding transcription activator 1; plus strand). Cytogenetic location: 1p36.23.
Variant type: single nucleotide variant.
Coding change: c.1906A>G on transcript NM_015215.4 (MANE Select); coding-DNA position 1906, A replaced by G.
Protein change: p.Ser636Gly; replaces serine 636 with glycine.
Molecular consequence: missense variant.
Genome position (GRCh38, 1-based): chr1:7,664,453, A>G. VCF-style: chr1-7664453-A-G. GRCh37 (hg19) VCF-style: chr1-7724513-A-G.
Other names: c.1816A>G, p.Ser606Gly (NM_001349608.2, NM_001349612.2); c.1906A>G, p.Ser636Gly (NM_001349609.2, NM_001349610.2); short protein forms S636G, S606G.
Identifiers: ClinVar variation 750492 (VCV000750492.14), dbSNP rs149319992, ClinGen allele CA566528.

ClinVar aggregate classification (germline): Likely benign. Review status: criteria provided, multiple submitters, no conflicts (2 of 4 stars). 2 submissions from 2 submitters: Likely benign (2). Last evaluated 2026-06-01.

Allele frequency attached by ClinVar (database versions not stated): gnomAD exomes 0.00009 and 0.00023; gnomAD 0.00090 and 0.00085; 1000 Genomes Project 30x 0.00094; ESP Exome Variant Server 0.00108; TOPMed 0.00110; 1000 Genomes Project 0.00080; ExAC 0.00026.
gnomAD v4.1: 273 of 1,613,414 alleles (0.017%); highest among the groups gnomAD compares: African/African-American, 0.31%; no homozygotes.

Submissions (3):

CeGaT Center for Human Genetics Tuebingen
Classification: Likely benign. Last evaluated: 2026-06-01. Review status: criteria provided, single submitter. Criteria: CeGaT Center For Human Genetics Tuebingen Variant Classification Criteria Version 2. Collection method: clinical testing. Allele origin: germline. Affected: yes. Observed: 2 variant alleles.
Comment: CAMTA1: BP4, BS1

Labcorp Genetics (formerly Invitae), Labcorp
Classification: Likely benign. Last evaluated: 2025-10-22. Review status: criteria provided, single submitter. Criteria: Invitae Variant Classification Sherloc (09022015). Collection method: clinical testing. Allele origin: germline.

Dr. Peter K. Rogan Lab, Western University
No classification provided (evidence only). Condition: Familial cancer of breast. Review status: no classification provided. Collection method: in vitro. Allele origin: not applicable. Functional consequence: retained intron. Not counted in ClinVar's aggregate classification.